The following is an entry in ClinVar:

ClinVar aggregate classification (germline): Conflicting classifications of pathogenicity. Review status: criteria provided, conflicting classifications (1 of 4 stars). 4 submissions from 4 submitters: Uncertain significance (3); Likely benign (1). Last evaluated 2026-01-20.

Conditions:
FG syndrome (FGS). Identifiers: MedGen C0220769, MONDO:0002010.
Familial thoracic aortic aneurysm and aortic dissection (TAAD). Also called: Thoracic aortic aneurysms and dissections. Identifiers: Orphanet 91387, MedGen C4707243, MONDO:0019625.

Allele frequency attached by ClinVar (database versions not stated): ExAC 0.00001; gnomAD exomes 0.00001 and 0.00006; TOPMed 0.00003; gnomAD 0.00005.
gnomAD v4.1: 75 of 1,208,424 alleles (0.0062%); highest among the groups gnomAD compares: Middle Eastern, 0.023%; no homozygotes.

Submissions (4):

Labcorp Genetics (formerly Invitae), Labcorp
Classification: Uncertain significance for FG syndrome. Last evaluated: 2026-01-20. Review status: criteria provided, single submitter. Criteria: Invitae Variant Classification Sherloc (09022015). Collection method: clinical testing. Allele origin: germline.
Comment: This sequence change falls in intron 30 of the MED12 gene. It does not directly change the encoded amino acid sequence of the MED12 protein. It affects a nucleotide within the consensus splice site. This variant is present in population databases (rs750162341, gnomAD 0.002%), including at least one homozygous and/or hemizygous individual. This variant has not been reported in the literature in individuals affected with MED12-related conditions. ClinVar contains an entry for this variant (Variation ID: 264566). Variants that disrupt the consensus splice site are a relatively common cause of aberrant splicing (PMID: 17576681, 9536098). Algorithms developed to predict the effect of sequence changes on RNA splicing suggest that this variant is not likely to affect RNA splicing. In summary, the available evidence is currently insufficient to determine the role of this variant in disease. Therefore, it has been classified as a Variant of Uncertain Significance.

Ambry Genetics
Classification: Uncertain significance for Familial thoracic aortic aneurysm and aortic dissection. Last evaluated: 2024-01-04. Review status: criteria provided, single submitter. Criteria: Ambry Variant Classification Scheme 2023. Collection method: clinical testing. Allele origin: germline.
Comment: The c.4253+4G>A intronic variant results from a G to A substitution 4 nucleotides after coding exon 30 in the MED12 gene. Based on data from gnomAD, the A allele has an overall frequency of 0.0015% (3/201088) total alleles studied, with 1 hemizygote(s) observed. The highest observed frequency was 0.0022% (2/90975) of European (non-Finnish) alleles. This nucleotide position is not well conserved in available vertebrate species. In silico splice site analysis predicts that this alteration will not have any significant effect on splicing. Since supporting evidence is limited at this time, the clinical significance of this alteration remains unclear.

Blueprint Genetics
Classification: Likely benign. Last evaluated: 2022-04-13. Review status: criteria provided, single submitter. Criteria: ACMG Guidelines, 2015. Collection method: clinical testing. Allele origin: germline.

Laboratorio de Genetica e Diagnostico Molecular, Hospital Israelita Albert Einstein
Classification: Uncertain significance. Last evaluated: 2020-12-18. Review status: criteria provided, single submitter. Criteria: ACMG Guidelines, 2015. Collection method: clinical testing. Allele origin: germline. Affected: yes.
Comment: ACMG classification criteria: PM2, BP4

Literature cited by the submitters: PubMed 17576681 (cited by Labcorp Genetics (formerly Invitae), Labcorp); PubMed 9536098 (cited by Labcorp Genetics (formerly Invitae), Labcorp).

NM_005120.3(MED12):c.4253+4G>A

Gene: MED12 (mediator complex subunit 12; plus strand). Cytogenetic location: Xq13.1.
Variant type: single nucleotide variant.
Coding change: c.4253+4G>A on transcript NM_005120.3 (MANE Select); 4 bases into the intron after coding-DNA position 4253, G replaced by A.
Molecular consequence: intron variant.
Genome position (GRCh38, 1-based): chrX:71,132,210, G>A. VCF-style: chrX-71132210-G-A. GRCh37 (hg19) VCF-style: chrX-70352060-G-A.
Identifiers: ClinVar variation 264566 (VCV000264566.16), dbSNP rs750162341, ClinGen allele CA10444609.